The following is an entry in ClinVar:

ClinVar aggregate classification (germline): Conflicting classifications of pathogenicity. Review status: criteria provided, conflicting classifications (1 of 4 stars). 5 submissions from 5 submitters: Uncertain significance (4); Likely benign (1). Last evaluated 2025-03-23.

Conditions:
Propionic acidemia (PROP). Also called: GLYCINEMIA, KETOTIC; HYPERGLYCINEMIA WITH KETOACIDOSIS AND LEUKOPENIA; KETOTIC HYPERGLYCINEMIA. Identifiers: Orphanet 35, MedGen C0268579, MONDO:0011628, OMIM 606054, HP:0003571.

Allele frequency attached by ClinVar (database versions not stated): 1000 Genomes Project 30x 0.00031; 1000 Genomes Project 0.00040.
gnomAD v4.1: 31 of 1,613,968 alleles (0.0019%); highest among the groups gnomAD compares: Middle Eastern, 0.016%; no homozygotes.

Submissions (5):

GeneDx
Classification: Uncertain significance. Last evaluated: 2025-03-23. Review status: criteria provided, single submitter. Criteria: GeneDx Variant Classification Process June 2021. Collection method: clinical testing. Allele origin: germline. Affected: yes.
Comment: In silico analysis indicates that this missense variant does not alter protein structure/function; Has not been previously published as pathogenic or benign to our knowledge

Revvity Omics, Revvity
Classification: Uncertain significance for Propionic acidemia. Last evaluated: 2024-08-27. Review status: criteria provided, single submitter. Criteria: ACMG Guidelines, 2015. Collection method: clinical testing. Allele origin: germline.

Labcorp Genetics (formerly Invitae), Labcorp
Classification: Uncertain significance for Propionic acidemia. Last evaluated: 2023-10-16. Review status: criteria provided, single submitter. Criteria: Invitae Variant Classification Sherloc (09022015). Collection method: clinical testing. Allele origin: germline.
Comment: This sequence change replaces valine, which is neutral and non-polar, with isoleucine, which is neutral and non-polar, at codon 673 of the PCCA protein (p.Val673Ile). This variant is present in population databases (rs142646074, gnomAD 0.02%). This variant has not been reported in the literature in individuals affected with PCCA-related conditions. ClinVar contains an entry for this variant (Variation ID: 1356053). Algorithms developed to predict the effect of missense changes on protein structure and function output the following: SIFT: "Not Available"; PolyPhen-2: "Benign"; Align-GVGD: "Not Available". The isoleucine amino acid residue is found in multiple mammalian species, which suggests that this missense change does not adversely affect protein function. In summary, the available evidence is currently insufficient to determine the role of this variant in disease. Therefore, it has been classified as a Variant of Uncertain Significance.

Blueprint Genetics
Classification: Likely benign. Last evaluated: 2021-03-11. Review status: criteria provided, single submitter. Criteria: ACMG Guidelines, 2015. Collection method: clinical testing. Allele origin: germline.

Breakthrough Genomics
Classification: Uncertain significance. Review status: criteria provided, single submitter. Criteria: ACMG Guidelines, 2015. Collection method: not provided. Allele origin: germline. Inheritance: Autosomal recessive inheritance. Affected: yes.

NM_000282.4(PCCA):c.2017G>A (p.Val673Ile)

Gene: PCCA (propionyl-CoA carboxylase subunit alpha; plus strand). Cytogenetic location: 13q32.3.
Variant type: single nucleotide variant.
Coding change: c.2017G>A on transcript NM_000282.4 (MANE Select); coding-DNA position 2017, G replaced by A.
Protein change: p.Val673Ile; replaces valine 673 with isoleucine.
Molecular consequence: missense variant. On other transcripts: non-coding transcript variant (4), intron variant (2).
Genome position (GRCh38, 1-based): chr13:100,515,544, G>A. VCF-style: chr13-100515544-G-A. GRCh37 (hg19) VCF-style: chr13-101167798-G-A.
Other names: c.2017G>A (NM_000282.3); c.1939G>A, p.Val647Ile (NM_001127692.3); c.1963G>A, p.Val655Ile (NM_001352605.2); c.1873G>A, p.Val625Ile (NM_001352606.2); c.1795G>A, p.Val599Ile (NM_001352608.2); c.1072G>A, p.Val358Ile (NM_001352610.2); c.1018G>A, p.Val340Ile (NM_001352611.2); c.928G>A, p.Val310Ile (NM_001352612.2); and 2 more; short protein forms V340I, V599I, V655I, V358I, V625I, V310I, V647I, V673I.
Identifiers: ClinVar variation 1356053 (VCV001356053.10), dbSNP rs142646074, ClinGen allele CA7033871.